The following is an entry in ClinVar:

ClinVar aggregate classification (germline): Pathogenic (1 of 4 stars; one submission).

Conditions:
Spastic paraplegia. Identifiers: MedGen C0037772, HP:0001258.

gnomAD v4.1: 4 of 1,613,962 alleles (0.00025%); highest among the groups gnomAD compares: Non-Finnish European, 0.00034%; no homozygotes.

Submission:

Labcorp Genetics (formerly Invitae), Labcorp
Classification: Pathogenic for Spastic paraplegia. Last evaluated: 2022-07-23. Review status: criteria provided, single submitter. Criteria: Invitae Variant Classification Sherloc (09022015). Collection method: clinical testing. Allele origin: germline.
Comment: For these reasons, this variant has been classified as Pathogenic. This variant disrupts a region of the SACS protein in which other variant(s) (p.Tyr4538*) have been determined to be pathogenic (PMID: 15156359, 21507954; Invitae). This suggests that this is a clinically significant region of the protein, and that variants that disrupt it are likely to be disease-causing. ClinVar contains an entry for this variant (Variation ID: 1378102). This variant has not been reported in the literature in individuals affected with SACS-related conditions. This variant is not present in population databases (gnomAD no frequency). This sequence change creates a premature translational stop signal (p.Glu984*) in the SACS gene. While this is not anticipated to result in nonsense mediated decay, it is expected to disrupt the last 3596 amino acid(s) of the SACS protein.

Literature cited by the submitters: PubMed 15156359; PubMed 21507954.

NM_014363.6(SACS):c.2950G>T (p.Glu984Ter)

Gene: SACS (sacsin molecular chaperone; minus strand). Cytogenetic location: 13q12.12.
Variant type: single nucleotide variant.
Coding change: c.2950G>T on transcript NM_014363.6 (MANE Select); coding-DNA position 2950, G replaced by T.
Protein change: p.Glu984Ter; replaces glutamic acid 984 with a stop codon.
Molecular consequence: nonsense.
Genome position (GRCh38, 1-based): chr13:23,340,926, C>A on the plus strand (G>T on the coding strand, the complement: SACS is on the minus strand). VCF-style: chr13-23340926-C-A. GRCh37 (hg19) VCF-style: chr13-23915065-C-A.
Other names: c.2509G>T, p.Glu837Ter (NM_001278055.2); short protein forms E837*, E984*.
Identifiers: ClinVar variation 1378102 (VCV001378102.6), dbSNP rs1869146335, ClinGen allele CA387537178.